The following is an entry in ClinVar:

ClinVar aggregate classification (germline): Pathogenic (1 of 4 stars; one submission).

Conditions:
Carpenter syndrome. Identifiers: Orphanet 65759, MedGen C1275078, MONDO:0019012.

Submission:

Labcorp Genetics (formerly Invitae), Labcorp
Classification: Pathogenic for Carpenter syndrome. Last evaluated: 2020-03-17. Review status: criteria provided, single submitter. Criteria: Invitae Variant Classification Sherloc (09022015). Collection method: clinical testing. Allele origin: germline.
Comment: For these reasons, this variant has been classified as Pathogenic. Loss-of-function variants in RAB23 are known to be pathogenic (PMID: 17503333, 21412941). This sequence change creates a premature translational stop signal (p.Arg28Aspfs*33) in the RAB23 gene. It is expected to result in an absent or disrupted protein product. This variant is not present in population databases (ExAC no frequency). This variant has not been reported in the literature in individuals with RAB23-related conditions.

Literature cited by the submitters: PubMed 17503333; PubMed 21412941.

NM_016277.5(RAB23):c.82del (p.Arg28fs)

Gene: RAB23 (RAB23, member RAS oncogene family; minus strand). Cytogenetic location: 6p11.2.
Variant type: Deletion.
Coding change: c.82del on transcript NM_016277.5 (MANE Select); coding-DNA position 82, one base deleted (C; older notation c.82delC).
Protein change: p.Arg28fs; shifts the reading frame from arginine 28.
Molecular consequence: frameshift variant. On other transcripts: non-coding transcript variant (1).
Genome position (GRCh38, 1-based): chr6:57,210,299, G deleted on the plus strand (C on the coding strand, the reverse complement: RAB23 is on the minus strand). VCF-style (leftmost placement, unchanged base first): chr6-57210298-CG-C. GRCh37 (hg19) VCF-style: chr6-57075096-CG-C.
Other names: c.82del, p.Arg28fs (NM_001278666.2, NM_001278667.2, NM_001278668.2 and 1 more transcripts); short protein forms R28fs.
Identifiers: ClinVar variation 1070344 (VCV001070344.7), dbSNP rs2128004184, ClinGen allele CA2499218427.